The following is an entry in ClinVar:

GRCh38/hg38 10q26.3(chr10:129324053-129974086)x3

Genes: EBF3 (EBF transcription factor 3; minus strand), EBF3-AS1 (EBF3 antisense RNA 1; plus strand), MGMT (O-6-methylguanine-DNA methyltransferase; plus strand), MIR4297 (microRNA 4297; minus strand), LOC107984281 (uncharacterized LOC107984281; plus strand) and 9 more. Cytogenetic location: 10q26.3.
Variant type: copy number gain.
Change: copy number 3 (three copies instead of two) of chr10:129,324,053-129,974,086 (650.0 kb, GRCh38 coordinates, 1-based), cytogenetic band 10q26.3.
Identifiers: ClinVar variation 57343 (VCV000057343.1).

ClinVar aggregate classification (germline): Uncertain significance (1 of 4 stars; one submission).

Submission:

ISCA site 4
Classification: Uncertain significance. Last evaluated: 2011-08-12. Review status: criteria provided, single submitter. Criteria: Kaminsky et al. (Genet Med. 2011). Collection method: clinical testing. Allele origin: unknown. Affected: yes. Observed: 1 variant allele.
Comment: Copy number variation identified through the course of routine clinical cytogenomic testing in postnatal populations. Clinical assertions have been curated as described in Kaminsky et al. 2011.